The following is an entry in ClinVar:

NM_001270.4(CHD1):c.31A>G (p.Arg11Gly)

Gene: CHD1 (chromodomain helicase DNA binding protein 1; minus strand). Cytogenetic location: 5q21.1.
Variant type: single nucleotide variant.
Coding change: c.31A>G on transcript NM_001270.4 (MANE Select); coding-DNA position 31, A replaced by G.
Protein change: p.Arg11Gly; replaces arginine 11 with glycine.
Molecular consequence: missense variant. On other transcripts: non-coding transcript variant (2).
Genome position (GRCh38, 1-based): chr5:98,926,356, T>C on the plus strand (A>G on the coding strand, the complement: CHD1 is on the minus strand). VCF-style: chr5-98926356-T-C. GRCh37 (hg19) VCF-style: chr5-98262060-T-C.
Other names: c.31A>G, p.Arg11Gly (NM_001364113.3, NM_001376194.2); short protein forms R11G.
Identifiers: ClinVar variation 2136070 (VCV002136070.2), dbSNP rs2479875379, ClinGen allele CA360525176.

ClinVar aggregate classification (germline): Likely benign (1 of 4 stars; one submission).

Submission:

GeneDx
Classification: Likely benign. Last evaluated: 2023-07-25. Review status: criteria provided, single submitter. Criteria: GeneDx Variant Classification Process June 2021. Collection method: clinical testing. Allele origin: germline. Affected: yes.
Comment: See Variant Classification Assertion Criteria.